The following is an entry in ClinVar:

NM_001371928.1(AHDC1):c.2516A>C (p.Tyr839Ser)

Gene: AHDC1 (AT-hook DNA binding motif containing 1; minus strand). Cytogenetic location: 1p36.11.
Variant type: single nucleotide variant.
Coding change: c.2516A>C on transcript NM_001371928.1 (MANE Select); coding-DNA position 2516, A replaced by C.
Protein change: p.Tyr839Ser; replaces tyrosine 839 with serine.
Molecular consequence: missense variant.
Genome position (GRCh38, 1-based): chr1:27,549,600, T>G on the plus strand (A>C on the coding strand, the complement: AHDC1 is on the minus strand). VCF-style: chr1-27549600-T-G. GRCh37 (hg19) VCF-style: chr1-27876111-T-G.
Other names: c.2516A>C, p.Tyr839Ser (NM_001029882.3); short protein forms Y839S.
Identifiers: ClinVar variation 3726357 (VCV003726357.2).

ClinVar aggregate classification (germline): Likely pathogenic (1 of 4 stars; one submission).

Submission:

Labcorp Genetics (formerly Invitae), Labcorp
Classification: Likely pathogenic. Last evaluated: 2025-11-04. Review status: criteria provided, single submitter. Criteria: Invitae Variant Classification Sherloc (09022015). Collection method: clinical testing. Allele origin: germline.
Comment: This sequence change replaces tyrosine, which is neutral and polar, with serine, which is neutral and polar, at codon 839 of the AHDC1 protein (p.Tyr839Ser). This variant is not present in population databases (gnomAD no frequency). This missense change has been observed in individual(s) with clinical features of AHDC1-related conditions (internal data). In at least one individual the variant was observed to be de novo. ClinVar contains an entry for this variant (Variation ID: 3726357). An algorithm developed to predict the effect of missense changes on protein structure and function (PolyPhen-2) suggests that this variant is likely to be disruptive. In summary, the currently available evidence indicates that the variant is pathogenic, but additional data are needed to prove that conclusively. Therefore, this variant has been classified as Likely Pathogenic.